The following is an entry in ClinVar:

ClinVar aggregate classification (germline): Uncertain significance (1 of 4 stars; one submission).

Conditions:
Inborn genetic diseases. Identifiers: MedGen C0950123, MeSH D030342.

Submission:

Ambry Genetics
Classification: Uncertain significance for Inborn genetic diseases. Last evaluated: 2025-07-19. Review status: criteria provided, single submitter. Criteria: Ambry Variant Classification Scheme 2023. Collection method: clinical testing. Allele origin: germline.
Comment: The p.D756E variant (also known as c.2268C>A), located in coding exon 13 of the ASXL1 gene, results from a C to A substitution at nucleotide position 2268. The aspartic acid at codon 756 is replaced by glutamic acid, an amino acid with highly similar properties. This amino acid position is conserved. In addition, this alteration is predicted to be tolerated by in silico analysis. Based on the available evidence, the clinical significance of this variant remains unclear.

NM_015338.6(ASXL1):c.2268C>A (p.Asp756Glu)

Gene: ASXL1 (ASXL transcriptional regulator 1; plus strand). Cytogenetic location: 20q11.21.
Variant type: single nucleotide variant.
Coding change: c.2268C>A on transcript NM_015338.6 (MANE Select); coding-DNA position 2268, C replaced by A.
Protein change: p.Asp756Glu; replaces aspartic acid 756 with glutamic acid.
Molecular consequence: missense variant.
Genome position (GRCh38, 1-based): chr20:32,434,980, C>A. VCF-style: chr20-32434980-C-A. GRCh37 (hg19) VCF-style: chr20-31022783-C-A.
Other names: c.2085C>A, p.Asp695Glu (NM_001363734.1); short protein forms D695E, D756E.
Identifiers: ClinVar variation 4158330 (VCV004158330.1).
Genomic context (GRCh38, chr20:32,434,980, plus strand): 5'-AGTTGGACTCACAGATGGGCTAGGAGATGCCTCCCAACTCCCCGTTGCTCCCACTGGGGA[C>A]CAGCCATGCCAGGCCTTGCCCCTACTGTCCTCCCAAACCTCAGTAGCTGAGAGATTAGTG-3'
Protein context (NP_056153.2, residues 746-766): ASQLPVAPTG[Asp756Glu]QPCQALPLLS